The following is an entry in ClinVar:

ClinVar aggregate classification (germline): Pathogenic. Review status: criteria provided, multiple submitters, no conflicts (2 of 4 stars). 4 submissions from 4 submitters: Pathogenic (4). Last evaluated 2026-09-23.

Conditions:
ADGRV1-related disorder. Also called: ADGRV1-related condition; ADGRV1-related disorders.

Allele frequency attached by ClinVar (database versions not stated): gnomAD exomes below 0.00001 and 0.00001.

Submissions (4):

GeneDx
Classification: Pathogenic. Last evaluated: 2026-09-23. Review status: criteria provided, single submitter. Criteria: GeneDx Variant Classification Process June 2021. Collection method: clinical testing. Allele origin: germline.
Comment: Frameshift variant predicted to result in protein truncation or nonsense mediated decay in a gene for which loss of function is a known mechanism of disease; Not observed at significant frequency in large population cohorts (gnomAD); This variant is associated with the following publications: (PMID: 31964843, 22147658)

PreventionGenetics, part of Exact Sciences
Classification: Pathogenic for ADGRV1-related condition. Last evaluated: 2024-10-29. Review status: criteria provided, single submitter. Criteria: ACMG Guidelines, 2015. Collection method: clinical testing. Allele origin: germline.
Comment: The ADGRV1 c.16940delT variant is predicted to result in a frameshift and premature protein termination (p.Val5647Glyfs*7). This variant has been reported in multiple individuals with Usher syndrome 2 (as GPR98 gene, Besnard et al. 2012. PubMed ID: 22147658; Table S3, Hanany et al. 2020. PubMed ID: 31964843; Supplementary table 2, Bonnet et al. 2015. PubMed ID: 27460420). The c.16940delT variant is reported in 0.00097% of alleles in individuals of European (non-Finnish) descent in gnomAD. Frameshift variants in ADGRV1 are expected to be pathogenic. This variant is interpreted as pathogenic.

Labcorp Genetics (formerly Invitae), Labcorp
Classification: Pathogenic. Last evaluated: 2024-01-29. Review status: criteria provided, single submitter. Criteria: Invitae Variant Classification Sherloc (09022015). Collection method: clinical testing. Allele origin: germline.
Comment: This sequence change creates a premature translational stop signal (p.Val5647Glyfs*7) in the ADGRV1 gene. It is expected to result in an absent or disrupted protein product. Loss-of-function variants in ADGRV1 are known to be pathogenic (PMID: 19357117, 22135276, 22147658, 26226137, 30718709, 31047384, 32467589). This variant is present in population databases (no rsID available, gnomAD 0.001%). This premature translational stop signal has been observed in individual(s) with clinical features of Usher syndrome (PMID: 22147658). ClinVar contains an entry for this variant (Variation ID: 866635). For these reasons, this variant has been classified as Pathogenic.

Blueprint Genetics
Classification: Pathogenic for ADGRV1-related disorders. Last evaluated: 2019-07-03. Review status: criteria provided, single submitter. Criteria: ACMG Guidelines, 2015. Collection method: clinical testing. Allele origin: germline. Affected: yes. Observed: 4 variant alleles.

Literature cited by the submitters: PubMed 19357117 (cited by Labcorp Genetics (formerly Invitae), Labcorp); PubMed 22135276 (cited by Labcorp Genetics (formerly Invitae), Labcorp); PubMed 22147658 (cited by Labcorp Genetics (formerly Invitae), Labcorp); PubMed 26226137 (cited by Labcorp Genetics (formerly Invitae), Labcorp); PubMed 30718709 (cited by Labcorp Genetics (formerly Invitae), Labcorp); PubMed 31047384 (cited by Labcorp Genetics (formerly Invitae), Labcorp); PubMed 32467589 (cited by Labcorp Genetics (formerly Invitae), Labcorp).

NM_032119.4(ADGRV1):c.16940del (p.Val5647fs)

Gene: ADGRV1 (adhesion G protein-coupled receptor V1; plus strand). Cytogenetic location: 5q14.3.
Variant type: Deletion.
Coding change: c.16940del on transcript NM_032119.4 (MANE Select); coding-DNA position 16940, one base deleted (T; older notation c.16940delT).
Protein change: p.Val5647fs; shifts the reading frame from valine 5647.
Molecular consequence: frameshift variant. On other transcripts: non-coding transcript variant (1).
Genome position (GRCh38, 1-based): chr5:90,840,906, T deleted. VCF-style (leftmost placement, unchanged base first): chr5-90840905-GT-G. GRCh37 (hg19) VCF-style: chr5-90136722-GT-G.
Other names: c.16940delT (NM_032119.3); short protein forms V5647fs.
Identifiers: ClinVar variation 866635 (VCV000866635.15), dbSNP rs1364707671, ClinGen allele CA561261470.
Genomic context (GRCh38, chr5:90,840,905, plus strand): 5'-GCCATTTGGGGGCTTGCAGATCAGCTACATCAGCCTGTGAATGATGATATTCTCAACAGA[GT>G]GCTCCATACCATCAGCATGAAAGTGGCCACAGAAAACACAGATGAACAACTCAGTGCCAT-3'